The following is an entry in ClinVar:

ClinVar aggregate classification (germline): Uncertain significance (1 of 4 stars; one submission).

Conditions:
Inborn genetic diseases. Identifiers: MedGen C0950123, MeSH D030342.

Submission:

Ambry Genetics
Classification: Uncertain significance for Inborn genetic diseases. Last evaluated: 2026-08-19. Review status: criteria provided, single submitter. Criteria: Ambry Variant Classification Scheme 2023. Collection method: clinical testing. Allele origin: germline.
Comment: The p.Q443L variant (also known as c.1328A>T), located in coding exon 5 of the MBD4 gene, results from an A to T substitution at nucleotide position 1328. The glutamine at codon 443 is replaced by leucine, an amino acid with dissimilar properties. This amino acid position is conserved. In addition, this alteration is predicted to be deleterious by in silico analysis. Based on the available evidence, the clinical significance of this variant remains unclear.

NM_001276270.2(MBD4):c.1328A>T (p.Gln443Leu)

Gene: MBD4 (methyl-CpG binding domain 4, DNA glycosylase; minus strand). Cytogenetic location: 3q21.3.
Variant type: single nucleotide variant.
Coding change: c.1328A>T on transcript NM_001276270.2 (MANE Select); coding-DNA position 1328, A replaced by T.
Protein change: p.Gln443Leu; replaces glutamine 443 with leucine.
Molecular consequence: missense variant.
Genome position (GRCh38, 1-based): chr3:129,433,915, T>A on the plus strand (A>T on the coding strand, the complement: MBD4 is on the minus strand). VCF-style: chr3-129433915-T-A. GRCh37 (hg19) VCF-style: chr3-129152758-T-A.
Other names: c.1346A>T, p.Gln449Leu (NM_001276271.2, NM_001276272.2, NM_003925.3); c.392A>T, p.Gln131Leu (NM_001276273.2); short protein forms Q443L, Q131L, Q449L.
Identifiers: ClinVar variation 5024037 (VCV005024037.1).